The following is an entry in ClinVar:

NM_015338.6(ASXL1):c.3235T>G (p.Ser1079Ala)

Gene: ASXL1 (ASXL transcriptional regulator 1; plus strand). Cytogenetic location: 20q11.21.
Variant type: single nucleotide variant.
Coding change: c.3235T>G on transcript NM_015338.6 (MANE Select); coding-DNA position 3235, T replaced by G.
Protein change: p.Ser1079Ala; replaces serine 1079 with alanine.
Molecular consequence: missense variant.
Genome position (GRCh38, 1-based): chr20:32,435,947, T>G. VCF-style: chr20-32435947-T-G. GRCh37 (hg19) VCF-style: chr20-31023750-T-G.
Other names: c.3052T>G, p.Ser1018Ala (NM_001363734.1); short protein forms S1079A, S1018A.
Identifiers: ClinVar variation 4588278 (VCV004588278.1).
Genomic context (GRCh38, chr20:32,435,947, plus strand): 5'-ATGGTTGCTCCTCAGAGCTGGGTGTCTCGAGTATGTGCGGTCCGCCAAAAGATCCCAGAT[T>G]CCCTACTGCTGGCCAGTACTGAGTACCAGCCAAGAGCCGTGTGCCTGTCCATGCCTGGGT-3'
Protein context (NP_056153.2, residues 1069-1089): VCAVRQKIPD[Ser1079Ala]LLLASTEYQP

ClinVar aggregate classification (germline): Uncertain significance (1 of 4 stars; one submission).

Conditions:
Inborn genetic diseases. Identifiers: MedGen C0950123, MeSH D030342.

Submission:

Ambry Genetics
Classification: Uncertain significance for Inborn genetic diseases. Last evaluated: 2025-11-01. Review status: criteria provided, single submitter. Criteria: Ambry Variant Classification Scheme 2023. Collection method: clinical testing. Allele origin: germline.
Comment: The p.S1079A variant (also known as c.3235T>G), located in coding exon 13 of the ASXL1 gene, results from a T to G substitution at nucleotide position 3235. The serine at codon 1079 is replaced by alanine, an amino acid with similar properties. This amino acid position is conserved. In addition, this alteration is predicted to be tolerated by in silico analysis. Based on the available evidence, the clinical significance of this variant remains unclear.